The following is an entry in ClinVar:

ClinVar aggregate classification (germline): Uncertain significance. Review status: criteria provided, multiple submitters, no conflicts (2 of 4 stars). 2 submissions from 2 submitters: Uncertain significance (2). Last evaluated 2022-07-19.

Conditions:
Familial Mediterranean fever (FMF). Also called: Periodic peritonitis; Benign paroxysmal peritonitis; POLYSEROSITIS, FAMILIAL PAROXYSMAL; POLYSEROSITIS, RECURRENT. Identifiers: Orphanet 342, MedGen C0031069, MONDO:0018088, OMIM 249100. Disease mechanism: gain of function.

Allele frequency attached by ClinVar (database versions not stated): gnomAD 0.00001; TOPMed below 0.00001; ExAC 0.00002; gnomAD exomes 0.00001.
gnomAD v4.1: 15 of 1,613,968 alleles (0.00093%); highest among the groups gnomAD compares: Admixed American, 0.005%; no homozygotes.

Submissions (2):

Labcorp Genetics (formerly Invitae), Labcorp
Classification: Uncertain significance for Familial Mediterranean fever. Last evaluated: 2022-07-19. Review status: criteria provided, single submitter. Criteria: Invitae Variant Classification Sherloc (09022015). Collection method: clinical testing. Allele origin: germline.
Comment: This sequence change replaces alanine, which is neutral and non-polar, with glycine, which is neutral and non-polar, at codon 768 of the MEFV protein (p.Ala768Gly). This variant is present in population databases (rs748264438, gnomAD 0.006%). This variant has not been reported in the literature in individuals affected with MEFV-related conditions. ClinVar contains an entry for this variant (Variation ID: 1321574). Algorithms developed to predict the effect of missense changes on protein structure and function output the following: SIFT: "Tolerated"; PolyPhen-2: "Benign"; Align-GVGD: "Class C0". The glycine amino acid residue is found in multiple mammalian species, which suggests that this missense change does not adversely affect protein function. In summary, the available evidence is currently insufficient to determine the role of this variant in disease. Therefore, it has been classified as a Variant of Uncertain Significance.

GeneDx
Classification: Uncertain significance. Last evaluated: 2021-05-12. Review status: criteria provided, single submitter. Criteria: GeneDx Variant Classification Process June 2021. Collection method: clinical testing. Allele origin: germline. Affected: yes.
Comment: In silico analysis supports that this missense variant does not alter protein structure/function; Has not been previously published as pathogenic or benign to our knowledge

NM_000243.3(MEFV):c.2303C>G (p.Ala768Gly)

Gene: MEFV (MEFV innate immunity regulator, pyrin; minus strand). Cytogenetic location: 16p13.3.
Variant type: single nucleotide variant.
Coding change: c.2303C>G on transcript NM_000243.3 (MANE Select); coding-DNA position 2303, C replaced by G.
Protein change: p.Ala768Gly; replaces alanine 768 with glycine.
Molecular consequence: missense variant. On other transcripts: 3 prime UTR variant (1).
Genome position (GRCh38, 1-based): chr16:3,243,184, G>C on the plus strand (C>G on the coding strand, the complement: MEFV is on the minus strand). VCF-style: chr16-3243184-G-C. GRCh37 (hg19) VCF-style: chr16-3293184-G-C.
Other names: c.*507C>G (NM_001198536.2); short protein forms A768G.
Identifiers: ClinVar variation 1321574 (VCV001321574.3), dbSNP rs748264438, ClinGen allele CA7859838.
Genomic context (GRCh38, chr16:3,243,184, plus strand): 5'-GATGCAGTGTTGGGCATTCAGTCAGGCCCCTGACCACCCACTGGACAGATAGTCAGAGGA[G>C]CTGTGTTCTTCCCTCCATCACGTGTCCCAGGGCTGAAGATAGGTTGAAGGGGCCCAGAGA-3'
Protein context (NP_000234.1, residues 758-778): PGTRDGGKNT[Ala768Gly]PLTICPVGGQ